The following is an entry in ClinVar:

NM_003719.5(PDE8B):c.1831T>G (p.Ser611Ala)

Gene: PDE8B (phosphodiesterase 8B; plus strand). Cytogenetic location: 5q13.3.
Variant type: single nucleotide variant.
Coding change: c.1831T>G on transcript NM_003719.5 (MANE Select); coding-DNA position 1831, T replaced by G.
Protein change: p.Ser611Ala; replaces serine 611 with alanine.
Molecular consequence: missense variant.
Genome position (GRCh38, 1-based): chr5:77,413,229, T>G. VCF-style: chr5-77413229-T-G. GRCh37 (hg19) VCF-style: chr5-76709054-T-G.
Other names: p.Ser611Ala; c.1540T>G, p.Ser514Ala (NM_001029851.4); c.1666T>G, p.Ser556Ala (NM_001029852.4); c.1771T>G, p.Ser591Ala (NM_001029853.4); c.1690T>G, p.Ser564Ala (NM_001029854.4); c.1828T>G, p.Ser610Ala (NM_001349748.3, NM_001349751.3); c.1894T>G, p.Ser632Ala (NM_001349749.3); c.1591T>G, p.Ser531Ala (NM_001349750.3); and 14 more; short protein forms S413A, S463A, S483A, S513A, S514A, S531A, S564A, S610A.
Identifiers: ClinVar variation 906328 (VCV000906328.8), dbSNP rs201596222, ClinGen allele CA3315359.

ClinVar aggregate classification (germline): Uncertain significance. Review status: criteria provided, multiple submitters, no conflicts (2 of 4 stars). 4 submissions from 4 submitters: Uncertain significance (4). Last evaluated 2025-09-21.

Conditions:
Autosomal dominant striatal neurodegeneration type 1. Identifiers: Orphanet 228169, MedGen C4310808, MONDO:0012205, OMIM 609161.

Allele frequency attached by ClinVar (database versions not stated): ExAC 0.00001; TOPMed 0.00002; gnomAD exomes 0.00006 and 0.00001; gnomAD 0.00001 and 0.00002.
gnomAD v4.1: 83 of 1,613,856 alleles (0.0051%); highest among the groups gnomAD compares: Non-Finnish European, 0.0067%; no homozygotes.

Submissions (4):

Labcorp Genetics (formerly Invitae), Labcorp
Classification: Uncertain significance. Last evaluated: 2025-09-21. Review status: criteria provided, single submitter. Criteria: Invitae Variant Classification Sherloc (09022015). Collection method: clinical testing. Allele origin: germline.
Comment: This sequence change replaces serine, which is neutral and polar, with alanine, which is neutral and non-polar, at codon 611 of the PDE8B protein (p.Ser611Ala). This variant is present in population databases (rs201596222, gnomAD 0.002%). This variant has not been reported in the literature in individuals affected with PDE8B-related conditions. ClinVar contains an entry for this variant (Variation ID: 906328). An algorithm developed to predict the effect of missense changes on protein structure and function (PolyPhen-2) suggests that this variant is likely to be tolerated. In summary, the available evidence is currently insufficient to determine the role of this variant in disease. Therefore, it has been classified as a Variant of Uncertain Significance.

Blueprint Genetics
Classification: Uncertain significance. Last evaluated: 2024-03-07. Review status: criteria provided, single submitter. Criteria: ACMG Guidelines, 2015. Collection method: clinical testing. Allele origin: germline.

Mayo Clinic Laboratories, Mayo Clinic
Classification: Uncertain significance. Last evaluated: 2023-06-27. Review status: criteria provided, single submitter. Criteria: ACMG Guidelines, 2015. Collection method: clinical testing. Allele origin: germline. Observed: 1 variant allele.
Comment: BS2

Illumina Laboratory Services, Illumina
Classification: Uncertain significance for Autosomal dominant striatal neurodegeneration type 1. Last evaluated: 2018-01-13. Review status: criteria provided, single submitter. Criteria: ICSL Variant Classification Criteria 13 December 2019. Collection method: clinical testing. Allele origin: germline.